The following is an entry in ClinVar:

NM_005529.7(HSPG2):c.11340T>C (p.Asn3780=)

Gene: HSPG2 (heparan sulfate proteoglycan 2; minus strand). Cytogenetic location: 1p36.12.
Variant type: single nucleotide variant.
Coding change: c.11340T>C on transcript NM_005529.7 (MANE Select); coding-DNA position 11340, T replaced by C.
Protein change: p.Asn3780=; no amino-acid change (asparagine 3780 retained).
Molecular consequence: synonymous variant.
Genome position (GRCh38, 1-based): chr1:21,831,664, A>G on the plus strand (T>C on the coding strand, the complement: HSPG2 is on the minus strand). VCF-style: chr1-21831664-A-G. GRCh37 (hg19) VCF-style: chr1-22158157-A-G.
Other names: c.11343T>C, p.Asn3781= (NM_001291860.2).
Identifiers: ClinVar variation 295720 (VCV000295720.20), dbSNP rs2229488, ClinGen allele CA669835.

ClinVar aggregate classification (germline): Benign/Likely benign. Review status: criteria provided, multiple submitters, no conflicts (2 of 4 stars). 7 submissions from 6 submitters: Benign (6); Likely benign (1). Last evaluated 2026-02-04.

Conditions:
Lethal Kniest-like syndrome (DDSH). Also called: Dyssegmental Dysplasia. Identifiers: Orphanet 1865, MedGen C1857100, MONDO:0009140, OMIM 224410.
Schwartz-Jampel syndrome. Also called: Myotonic myopathy dwarfism chondrodystrophy and ocular and facial abnormalities. Identifiers: Orphanet 800, MedGen C0036391, MONDO:0009717.

Allele frequency attached by ClinVar (database versions not stated): gnomAD exomes 0.07216 and 0.08269; ExAC 0.08271; 1000 Genomes Project 0.08327; 1000 Genomes Project 30x 0.08557; gnomAD 0.09878 and 0.10195; TOPMed 0.10330; ESP Exome Variant Server 0.10952.
gnomAD v4.1: 135,361 of 1,606,476 alleles (8.4%); highest among the groups gnomAD compares: African/African-American, 18%; 6,463 homozygotes.

Submissions (7):

Labcorp Genetics (formerly Invitae), Labcorp
Classification: Benign. Last evaluated: 2026-02-04. Review status: criteria provided, single submitter. Criteria: Invitae Variant Classification Sherloc (09022015). Collection method: clinical testing. Allele origin: germline.

Blueprint Genetics
Classification: Likely benign. Last evaluated: 2024-11-26. Review status: criteria provided, single submitter. Criteria: ACMG Guidelines, 2015. Collection method: clinical testing. Allele origin: germline.

GeneDx
Classification: Benign. Last evaluated: 2018-08-25. Review status: criteria provided, single submitter. Criteria: GeneDx Variant Classification Process June 2021. Collection method: clinical testing. Allele origin: germline. Affected: yes.

Illumina Laboratory Services, Illumina
Classification: Benign for Schwartz-Jampel syndrome type 1. Last evaluated: 2018-01-12. Review status: criteria provided, single submitter. Criteria: ICSL Variant Classification Criteria 13 December 2019. Collection method: clinical testing. Allele origin: germline.
Comment: This variant was observed in the ICSL laboratory as part of a predisposition screen in an ostensibly healthy population. It had not been previously curated by ICSL or reported in the Human Gene Mutation Database (HGMD: prior to June 1st, 2018), and was therefore a candidate for classification through an automated scoring system. Utilizing variant allele frequency, disease prevalence and penetrance estimates, and inheritance mode, an automated score was calculated to assess if this variant is too frequent to cause the disease. Based on the score and internal cut-off values, a variant classified as benign is not then subjected to further curation. The score for this variant resulted in a classification of benign for this disease.

Illumina Laboratory Services, Illumina
Classification: Benign for Lethal Kniest-like syndrome. Last evaluated: 2018-01-12. Review status: criteria provided, single submitter. Criteria: ICSL Variant Classification Criteria 13 December 2019. Collection method: clinical testing. Allele origin: germline.
Comment: the same text as in the submission from Illumina Laboratory Services, Illumina above.

Eurofins Ntd Llc (ga)
Classification: Benign. Last evaluated: 2016-11-23. Review status: criteria provided, single submitter. Criteria: EGL Classification Definitions 2015. Collection method: clinical testing. Allele origin: germline. Observed: 2 variant alleles, 2 heterozygotes.

Breakthrough Genomics
Classification: Benign. Review status: criteria provided, single submitter. Criteria: ACMG Guidelines, 2015. Collection method: not provided. Allele origin: germline. Inheritance: Autosomal recessive inheritance. Affected: yes.